The following is an entry in ClinVar:

NM_004526.4(MCM2):c.213G>C (p.Glu71Asp)

Gene: MCM2 (minichromosome maintenance complex component 2; plus strand). Cytogenetic location: 3q21.3.
Variant type: single nucleotide variant.
Coding change: c.213G>C on transcript NM_004526.4 (MANE Select); coding-DNA position 213, G replaced by C.
Protein change: p.Glu71Asp; replaces glutamic acid 71 with aspartic acid.
Molecular consequence: missense variant. On other transcripts: non-coding transcript variant (1).
Genome position (GRCh38, 1-based): chr3:127,599,524, G>C. VCF-style: chr3-127599524-G-C. GRCh37 (hg19) VCF-style: chr3-127318367-G-C.
Other names: short protein forms E71D.
Identifiers: ClinVar variation 2960642 (VCV002960642.3), dbSNP rs796576308, ClinGen allele CA354381082.

ClinVar aggregate classification (germline): Uncertain significance (1 of 4 stars; one submission).

Submission:

Labcorp Genetics (formerly Invitae), Labcorp
Classification: Uncertain significance. Last evaluated: 2023-12-22. Review status: criteria provided, single submitter. Criteria: Invitae Variant Classification Sherloc (09022015). Collection method: clinical testing. Allele origin: germline.
Comment: This sequence change replaces glutamic acid, which is acidic and polar, with aspartic acid, which is acidic and polar, at codon 71 of the MCM2 protein (p.Glu71Asp). This variant is present in population databases (no rsID available, gnomAD 0.006%). This variant has not been reported in the literature in individuals affected with MCM2-related conditions. Algorithms developed to predict the effect of missense changes on protein structure and function output the following: SIFT: "Not Available"; PolyPhen-2: "Benign"; Align-GVGD: "Not Available". The aspartic acid amino acid residue is found in multiple mammalian species, which suggests that this missense change does not adversely affect protein function. In summary, the available evidence is currently insufficient to determine the role of this variant in disease. Therefore, it has been classified as a Variant of Uncertain Significance.